The following is an entry in ClinVar:

NM_000222.3(KIT):c.1258A>G (p.Arg420Gly)

Gene: KIT (KIT proto-oncogene, receptor tyrosine kinase; plus strand). Cytogenetic location: 4q12.
Variant type: single nucleotide variant.
Coding change: c.1258A>G on transcript NM_000222.3 (MANE Select); coding-DNA position 1258, A replaced by G.
Protein change: p.Arg420Gly; replaces arginine 420 with glycine.
Molecular consequence: missense variant.
Genome position (GRCh38, 1-based): chr4:54,723,610, A>G. VCF-style: chr4-54723610-A-G. GRCh37 (hg19) VCF-style: chr4-55589776-A-G.
Other names: c.1258A>G, p.Arg420Gly (NM_001385286.1, NM_001093772.2, NM_001385285.1); c.1261A>G, p.Arg421Gly (NM_001385288.1, NM_001385290.1, NM_001385292.1 and 1 more transcripts); short protein forms R421G, R420G.
Identifiers: ClinVar variation 2876754 (VCV002876754.3), dbSNP rs2109760624, ClinGen allele CA356905420.
Genomic context (GRCh38, chr4:54,723,610, plus strand): 5'-ACTCTGACATATGGCCATTTCTGTTTTCCTGTAGCAAAACCAGAAATCCTGACTTACGAC[A>G]GGCTCGTGAATGGCATGCTCCAATGTGTGGCAGCAGGATTCCCAGAGCCCACAATAGATT-3'
Protein context (NP_000213.1, residues 410-430): NTKPEILTYD[Arg420Gly]LVNGMLQCVA

ClinVar aggregate classification (germline): Uncertain significance (1 of 4 stars; one submission).

Conditions:
Gastrointestinal stromal tumor. Also called: Gastrointestinal stromal tumor, somatic; Gastrointestinal stroma tumor. Identifiers: Orphanet 44890, MedGen C0238198, MeSH D046152, MONDO:0011719, OMIM 606764, HP:0100723.

Submission:

Labcorp Genetics (formerly Invitae), Labcorp
Classification: Uncertain significance for Gastrointestinal stromal tumor. Last evaluated: 2023-03-09. Review status: criteria provided, single submitter. Criteria: Invitae Variant Classification Sherloc (09022015). Collection method: clinical testing. Allele origin: germline.
Comment: This sequence change replaces arginine, which is basic and polar, with glycine, which is neutral and non-polar, at codon 420 of the KIT protein (p.Arg420Gly). This variant is not present in population databases (gnomAD no frequency). This variant has not been reported in the literature in individuals affected with KIT-related conditions. An algorithm developed to predict the effect of missense changes on protein structure and function (PolyPhen-2) suggests that this variant is likely to be tolerated. In summary, the available evidence is currently insufficient to determine the role of this variant in disease. Therefore, it has been classified as a Variant of Uncertain Significance.